The following is an entry in ClinVar:

NM_001297.5(CNGB1):c.584-10C>T

Gene: CNGB1 (cyclic nucleotide gated channel subunit beta 1; minus strand). Cytogenetic location: 16q21.
Variant type: single nucleotide variant.
Coding change: c.584-10C>T on transcript NM_001297.5 (MANE Select); 10 bases into the intron before coding-DNA position 584, C replaced by T.
Molecular consequence: intron variant.
Genome position (GRCh38, 1-based): chr16:57,960,075, G>A on the plus strand (C>T on the coding strand, the complement: CNGB1 is on the minus strand). VCF-style: chr16-57960075-G-A. GRCh37 (hg19) VCF-style: chr16-57993979-G-A.
Other names: c.566-10C>T (NM_001286130.2); c.584-10C>T (NM_001135639.2, NM_001297.4).
Identifiers: ClinVar variation 1571565 (VCV001571565.9), dbSNP rs755551308, ClinGen allele CA8083742.

ClinVar aggregate classification (germline): Likely benign. Review status: criteria provided, multiple submitters, no conflicts (2 of 4 stars). 2 submissions from 2 submitters: Likely benign (2). Last evaluated 2025-02-22.

Conditions:
CNGB1-related disorder. Also called: CNGB1-related condition.

Allele frequency attached by ClinVar (database versions not stated): gnomAD 0.00004; TOPMed 0.00005; ExAC 0.00027.
gnomAD v4.1: 86 of 1,544,932 alleles (0.0056%); highest among the groups gnomAD compares: South Asian, 0.053%; no homozygotes.

Submissions (2):

PreventionGenetics, part of Exact Sciences
Classification: Likely benign for CNGB1-related condition. Last evaluated: 2025-02-22. Review status: criteria provided, single submitter. Criteria: ACMG Guidelines, 2015. Collection method: clinical testing. Allele origin: germline.
Comment: This variant is classified as likely benign based on ACMG/AMP sequence variant interpretation guidelines (Richards et al. 2015 PMID: 25741868, with internal and published modifications).

Labcorp Genetics (formerly Invitae), Labcorp
Classification: Likely benign. Last evaluated: 2024-04-05. Review status: criteria provided, single submitter. Criteria: Invitae Variant Classification Sherloc (09022015). Collection method: clinical testing. Allele origin: germline.